The following is an entry in ClinVar:

ClinVar aggregate classification (germline): Conflicting classifications of pathogenicity. Review status: criteria provided, conflicting classifications (1 of 4 stars). 6 submissions from 4 submitters: Uncertain significance (1); Benign (4); Likely benign (1). Last evaluated 2025-08-16.

Conditions:
Pallister-Hall syndrome (PHS). Also called: GLI3-Related Pallister-Hall Syndrome; HYPOTHALAMIC HAMARTOBLASTOMA, HYPOPITUITARISM, IMPERFORATE ANUS, AND POSTAXIAL POLYDACTYLY. Identifiers: Orphanet 672, MedGen C0265220, MONDO:0007804, OMIM 146510.
Greig cephalopolysyndactyly syndrome (GCPS). Also called: GLI3-Related Greig Cephalopolysyndactyly Syndrome; POLYSYNDACTYLY WITH PECULIAR SKULL SHAPE; Greig syndrome. Identifiers: Orphanet 380, MedGen C0265306, MONDO:0008287, OMIM 175700.
GLI3-related disorder. Also called: GLI3-related condition; GLI3-related disorders. Identifiers: MedGen CN239292.
Polydactyly. Also called: polydactylism. Identifiers: MedGen C0152427, MONDO:0021003, OMIM 603596, HP:0010442.

Allele frequency attached by ClinVar (database versions not stated): gnomAD 0.00003 and 0.00005; TOPMed 0.00006; gnomAD exomes 0.00014 and 0.00016; ExAC 0.00026; 1000 Genomes Project 30x 0.00047; 1000 Genomes Project 0.00060.
gnomAD v4.1: 213 of 1,614,202 alleles (0.013%); highest among the groups gnomAD compares: East Asian, 0.4%; 1 homozygote.

Submissions (6):

Labcorp Genetics (formerly Invitae), Labcorp
Classification: Benign for Pallister-Hall syndrome; Greig cephalopolysyndactyly syndrome. Last evaluated: 2025-08-16. Review status: criteria provided, single submitter. Criteria: Invitae Variant Classification Sherloc (09022015). Collection method: clinical testing. Allele origin: germline.

PreventionGenetics, part of Exact Sciences
Classification: Likely benign for GLI3-related condition. Last evaluated: 2024-12-01. Review status: criteria provided, single submitter. Criteria: ACMG Guidelines, 2015. Collection method: clinical testing. Allele origin: germline.
Comment: This variant is classified as likely benign based on ACMG/AMP sequence variant interpretation guidelines (Richards et al. 2015 PMID: 25741868, with internal and published modifications).

Illumina Laboratory Services, Illumina
Classification: Benign for Pallister-Hall syndrome. Last evaluated: 2018-01-13. Review status: criteria provided, single submitter. Criteria: ICSL Variant Classification Criteria 13 December 2019. Collection method: clinical testing. Allele origin: germline.
Comment: This variant was observed in the ICSL laboratory as part of a predisposition screen in an ostensibly healthy population. It had not been previously curated by ICSL or reported in the Human Gene Mutation Database (HGMD: prior to June 1st, 2018), and was therefore a candidate for classification through an automated scoring system. Utilizing variant allele frequency, disease prevalence and penetrance estimates, and inheritance mode, an automated score was calculated to assess if this variant is too frequent to cause the disease. Based on the score and internal cut-off values, a variant classified as benign is not then subjected to further curation. The score for this variant resulted in a classification of benign for this disease.

Illumina Laboratory Services, Illumina
Classification: Benign for Polydactyly. Last evaluated: 2018-01-13. Review status: criteria provided, single submitter. Criteria: ICSL Variant Classification Criteria 13 December 2019. Collection method: clinical testing. Allele origin: germline.
Comment: the same text as in the submission from Illumina Laboratory Services, Illumina above.

Illumina Laboratory Services, Illumina
Classification: Benign for Greig cephalopolysyndactyly syndrome. Last evaluated: 2018-01-13. Review status: criteria provided, single submitter. Criteria: ICSL Variant Classification Criteria 13 December 2019. Collection method: clinical testing. Allele origin: germline.
Comment: the same text as in the submission from Illumina Laboratory Services, Illumina above.

Eurofins Ntd Llc (ga)
Classification: Uncertain significance. Last evaluated: 2015-11-05. Review status: criteria provided, single submitter. Criteria: EGL Classification Definitions 2015. Collection method: clinical testing. Allele origin: germline. Observed: 1 variant allele, 1 heterozygote.

NM_000168.6(GLI3):c.1485G>A (p.Glu495=)

Gene: GLI3 (GLI family zinc finger 3; minus strand). Cytogenetic location: 7p14.1.
Variant type: single nucleotide variant.
Coding change: c.1485G>A on transcript NM_000168.6 (MANE Select); coding-DNA position 1485, G replaced by A.
Protein change: p.Glu495=; no amino-acid change (glutamic acid 495 retained).
Molecular consequence: synonymous variant.
Genome position (GRCh38, 1-based): chr7:42,023,480, C>T on the plus strand (G>A on the coding strand, the complement: GLI3 is on the minus strand). VCF-style: chr7-42023480-C-T. GRCh37 (hg19) VCF-style: chr7-42063079-C-T.
Identifiers: ClinVar variation 284084 (VCV000284084.19), dbSNP rs149248727, ClinGen allele CA4230834.
Genomic context (GRCh38, chr7:42,023,480, plus strand): 5'-AAGTGTCACAGAGCTGTAAAGCTCGGTTCCTGAATACCATCCACTTACGTGCACAAGCTG[C>T]TCTTGGGTGTCGAACTCCCTCGCGCAGCCTTCCCAGTGGCAGTTTGTCTCATAGATGACT-3'
Protein context (NP_000159.3, residues 485-505): EGCAREFDTQ[Glu495=]QLVHHINNDH